The following is an entry in ClinVar:

ClinVar aggregate classification (germline): Likely benign. Review status: criteria provided, multiple submitters, no conflicts (2 of 4 stars). 5 submissions from 5 submitters: Likely benign (5). Last evaluated 2025-07-19.

Conditions:
Cardiovascular phenotype. Identifiers: MedGen CN230736.
Andersen Tawil syndrome (LQT7). Also called: ANDERSEN CARDIODYSRHYTHMIC PERIODIC PARALYSIS; Potassium-sensitive periodic paralysis, ventricular ectopy, and dysmorphic features; Andersen Syndrome; LONG QT SYNDROME 7; PERIODIC PARALYSIS, POTASSIUM-SENSITIVE CARDIODYSRHYTHMIC TYPE. Identifiers: Orphanet 37553, MedGen C1563715, MONDO:0008222, OMIM 170390.
Short QT syndrome type 3. Identifiers: Orphanet 51083, MedGen C1865018, MONDO:0012314, OMIM 609622.

Allele frequency attached by ClinVar (database versions not stated): gnomAD 0.00001; gnomAD exomes 0.00001; TOPMed 0.00004.

Submissions (5):

Labcorp Genetics (formerly Invitae), Labcorp
Classification: Likely benign for Short QT syndrome type 3; Andersen Tawil syndrome. Last evaluated: 2025-07-19. Review status: criteria provided, single submitter. Criteria: Invitae Variant Classification Sherloc (09022015). Collection method: clinical testing. Allele origin: germline.

Athena Diagnostics
Classification: Likely benign. Last evaluated: 2025-03-27. Review status: criteria provided, single submitter. Criteria: Athena Diagnostics Criteria. Collection method: clinical testing. Allele origin: unknown.
Comment: Computational tools yielded predictions that this variant is unlikely to have an effect on normal RNA splicing. This nucleotide position exhibits low evolutionary conservation.

Ambry Genetics
Classification: Likely benign for Cardiovascular phenotype. Last evaluated: 2020-01-16. Review status: criteria provided, single submitter. Criteria: Ambry Variant Classification Scheme 2023. Collection method: clinical testing. Allele origin: germline.

Women's Health and Genetics/Laboratory Corporation of America, LabCorp
Classification: Likely benign. Last evaluated: 2019-12-14. Review status: criteria provided, single submitter. Criteria: LabCorp Variant Classification Summary - May 2015. Collection method: clinical testing. Allele origin: germline.

GeneDx
Classification: Likely benign. Last evaluated: 2018-05-15. Review status: criteria provided, single submitter. Criteria: GeneDx Variant Classification (06012015). Collection method: clinical testing. Allele origin: germline. Affected: yes.
Comment: This variant is considered likely benign or benign based on one or more of the following criteria: it is a conservative change, it occurs at a poorly conserved position in the protein, it is predicted to be benign by multiple in silico algorithms, and/or has population frequency not consistent with disease.

NM_000891.3(KCNJ2):c.138C>T (p.Arg46=)

Gene: KCNJ2 (potassium inwardly rectifying channel subfamily J member 2; plus strand). Cytogenetic location: 17q24.3.
Variant type: single nucleotide variant.
Coding change: c.138C>T on transcript NM_000891.3 (MANE Select); coding-DNA position 138, C replaced by T.
Protein change: p.Arg46=; no amino-acid change (arginine 46 retained).
Molecular consequence: synonymous variant.
Genome position (GRCh38, 1-based): chr17:70,175,177, C>T. VCF-style: chr17-70175177-C-T. GRCh37 (hg19) VCF-style: chr17-68171318-C-T.
Identifiers: ClinVar variation 668945 (VCV000668945.13), dbSNP rs997406384, ClinGen allele CA293702901.